The following is an entry in ClinVar:

NM_005138.3(SCO2):c.582C>T (p.Ser194=)

Genes: NCAPH2 (non-SMC condensin II complex subunit H2; plus strand), SCO2 (synthesis of cytochrome C oxidase 2; minus strand). Cytogenetic location: 22q13.33.
Variant type: single nucleotide variant.
Coding change: c.582C>T on transcript NM_005138.3 (MANE Select); coding-DNA position 582, C replaced by T.
Protein change: p.Ser194=; no amino-acid change (serine 194 retained).
Molecular consequence: synonymous variant. On other transcripts: 3 prime UTR variant (2).
Genome position (GRCh38, 1-based): chr22:50,523,830, G>A on the plus strand (C>T on the coding strand, the complement: SCO2 is on the minus strand). VCF-style: chr22-50523830-G-A. GRCh37 (hg19) VCF-style: chr22-50962259-G-A.
Other names: p.S194S:TCC>TCT; c.*455G>A (NM_001185011.2, NM_152299.4); c.582C>T, p.Ser194= (NM_001169109.2, NM_001169110.1, NM_001169111.2).
Identifiers: ClinVar variation 139085 (VCV000139085.20), dbSNP rs131811, ClinGen allele CA293447.
Genomic context (GRCh38, chr22:50,523,830, plus strand): 5'-CTTGGGGCCTGCATTGTAGTACACGCGGTAACTGTGACTAGCCTGGGCAACCTGTTTGGT[G>A]GAGCCGGTCAGACCCAACAGTCTTGGGTGGAAGTCCTGGACGTAGCGGGCCATGGCTTCA-3'
Protein context (NP_005129.2, residues 184-204): FHPRLLGLTG[Ser194=]TKQVAQASHS

ClinVar aggregate classification (germline): Benign/Likely benign. Review status: criteria provided, multiple submitters, no conflicts (2 of 4 stars). 6 submissions from 6 submitters: Benign (4); Likely benign (1). 1 of the submissions does not count toward it. Last evaluated 2026-02-04.

Conditions:
Cardioencephalomyopathy, fatal infantile, due to cytochrome c oxidase deficiency 1 (MC4DN2). Also called: MITOCHONDRIAL COMPLEX IV DEFICIENCY, NUCLEAR TYPE 2; CYTOCHROME c OXIDASE DEFICIENCY, FATAL INFANTILE, WITH CARDIOENCEPHALOMYOPATHY. Identifiers: Orphanet 1561, MedGen C5399977, MONDO:0011451, OMIM 604377.

Allele frequency attached by ClinVar (database versions not stated): ESP Exome Variant Server 0.05198; gnomAD 0.05449 and 0.05129; gnomAD exomes 0.06931 and 0.05064; 1000 Genomes Project 0.02576; 1000 Genomes Project 30x 0.02655; TOPMed 0.04900; ExAC 0.05194.
gnomAD v4.1: 108,534 of 1,614,082 alleles (6.7%); highest among the groups gnomAD compares: Non-Finnish European, 8%; 4,398 homozygotes.

Submissions (6):

Labcorp Genetics (formerly Invitae), Labcorp
Classification: Benign. Last evaluated: 2026-02-04. Review status: criteria provided, single submitter. Criteria: Invitae Variant Classification Sherloc (09022015). Collection method: clinical testing. Allele origin: germline.

Blueprint Genetics
Classification: Benign. Last evaluated: 2024-11-28. Review status: criteria provided, single submitter. Criteria: ACMG Guidelines, 2015. Collection method: clinical testing. Allele origin: germline.

Illumina Laboratory Services, Illumina
Classification: Benign for Cardioencephalomyopathy, fatal infantile, due to cytochrome c oxidase deficiency 1. Last evaluated: 2018-01-12. Review status: criteria provided, single submitter. Criteria: ICSL Variant Classification Criteria 13 December 2019. Collection method: clinical testing. Allele origin: germline.
Comment: This variant was observed in the ICSL laboratory as part of a predisposition screen in an ostensibly healthy population. It had not been previously curated by ICSL or reported in the Human Gene Mutation Database (HGMD: prior to June 1st, 2018), and was therefore a candidate for classification through an automated scoring system. Utilizing variant allele frequency, disease prevalence and penetrance estimates, and inheritance mode, an automated score was calculated to assess if this variant is too frequent to cause the disease. Based on the score and internal cut-off values, a variant classified as benign is not then subjected to further curation. The score for this variant resulted in a classification of benign for this disease.

GeneDx
Classification: Benign. Last evaluated: 2011-07-01. Review status: criteria provided, single submitter. Criteria: GeneDx Variant Classification (06012015). Collection method: clinical testing. Allele origin: germline. Affected: yes.
Comment: This variant is considered likely benign or benign based on one or more of the following criteria: it is a conservative change, it occurs at a poorly conserved position in the protein, it is predicted to be benign by multiple in silico algorithms, and/or has population frequency not consistent with disease.

Breakthrough Genomics
Classification: Likely benign. Review status: criteria provided, single submitter. Criteria: ACMG Guidelines, 2015. Collection method: not provided. Allele origin: germline. Inheritance: Autosomal recessive inheritance. Affected: yes.

Mayo Clinic Laboratories, Mayo Clinic
Classification: Benign. Last evaluated: 2016-02-24. Review status: no assertion criteria provided. Collection method: clinical testing. Allele origin: unknown. Not counted in ClinVar's aggregate classification.